The following is an entry in ClinVar:

ClinVar aggregate classification (germline): Uncertain significance (1 of 4 stars; one submission).

Conditions:
Hereditary cancer-predisposing syndrome. Also called: Neoplastic Syndromes, Hereditary; Hereditary Cancer Syndrome; Tumor predisposition; Hereditary neoplastic syndrome. Identifiers: Orphanet 140162, MedGen C0027672, MeSH D009386, MONDO:0015356.

Submission:

Ambry Genetics
Classification: Uncertain significance for Hereditary cancer-predisposing syndrome. Last evaluated: 2025-01-03. Review status: criteria provided, single submitter. Criteria: Ambry Variant Classification Scheme 2023. Collection method: clinical testing. Allele origin: germline.
Comment: The p.S696C variant (also known as c.2086A>T), located in coding exon 16 of the POLD1 gene, results from an A to T substitution at nucleotide position 2086. The serine at codon 696 is replaced by cysteine, an amino acid with dissimilar properties. This amino acid position is conserved. In addition, the in silico prediction for this alteration is inconclusive. Based on the available evidence, the clinical significance of this variant remains unclear.

NM_002691.4(POLD1):c.2086A>T (p.Ser696Cys)

Gene: POLD1 (DNA polymerase delta 1, catalytic subunit; plus strand). Cytogenetic location: 19q13.33.
Variant type: single nucleotide variant.
Coding change: c.2086A>T on transcript NM_002691.4 (MANE Select); coding-DNA position 2086, A replaced by T.
Protein change: p.Ser696Cys; replaces serine 696 with cysteine.
Molecular consequence: missense variant. On other transcripts: non-coding transcript variant (1).
Genome position (GRCh38, 1-based): chr19:50,409,598, A>T. VCF-style: chr19-50409598-A-T. GRCh37 (hg19) VCF-style: chr19-50912855-A-T.
Other names: c.2164A>T, p.Ser722Cys (NM_001308632.1); c.2086A>T, p.Ser696Cys (NM_001256849.1); short protein forms S696C, S722C.
Identifiers: ClinVar variation 3781375 (VCV003781375.1).